The following is an entry in ClinVar:

ClinVar aggregate classification (germline): Uncertain significance (1 of 4 stars; one submission).

Conditions:
Nephronophthisis. Also called: Juvenile Nephronophthisis. Identifiers: Orphanet 655, MedGen C0687120, MONDO:0019005, HP:0000090.

Submission:

Labcorp Genetics (formerly Invitae), Labcorp
Classification: Uncertain significance for Nephronophthisis. Last evaluated: 2022-04-04. Review status: criteria provided, single submitter. Criteria: Invitae Variant Classification Sherloc (09022015). Collection method: clinical testing. Allele origin: germline.
Comment: This sequence change replaces threonine, which is neutral and polar, with serine, which is neutral and polar, at codon 1246 of the NPHP4 protein (p.Thr1246Ser). This variant is not present in population databases (gnomAD no frequency). This variant has not been reported in the literature in individuals affected with NPHP4-related conditions. Algorithms developed to predict the effect of missense changes on protein structure and function (SIFT, PolyPhen-2, Align-GVGD) all suggest that this variant is likely to be tolerated. In summary, the available evidence is currently insufficient to determine the role of this variant in disease. Therefore, it has been classified as a Variant of Uncertain Significance.

NM_015102.5(NPHP4):c.3737C>G (p.Thr1246Ser)

Gene: NPHP4 (nephrocystin 4; minus strand). Cytogenetic location: 1p36.31.
Variant type: single nucleotide variant.
Coding change: c.3737C>G on transcript NM_015102.5 (MANE Select); coding-DNA position 3737, C replaced by G.
Protein change: p.Thr1246Ser; replaces threonine 1246 with serine.
Molecular consequence: missense variant. On other transcripts: non-coding transcript variant (1).
Genome position (GRCh38, 1-based): chr1:5,865,181, G>C on the plus strand (C>G on the coding strand, the complement: NPHP4 is on the minus strand). VCF-style: chr1-5865181-G-C. GRCh37 (hg19) VCF-style: chr1-5925241-G-C.
Other names: c.2198C>G, p.Thr733Ser (NM_001291593.2); c.2201C>G, p.Thr734Ser (NM_001291594.2); short protein forms T733S, T1246S, T734S.
Identifiers: ClinVar variation 1982559 (VCV001982559.4), dbSNP rs2522697089, ClinGen allele CA338050189.